The following is an entry in ClinVar:

NM_007294.4(BRCA1):c.4910del (p.Pro1637fs)

Gene: BRCA1 (BRCA1 DNA repair associated; minus strand). Cytogenetic location: 17q21.31.
Variant type: Deletion.
Coding change: c.4910del on transcript NM_007294.4 (MANE Select); coding-DNA position 4910, one base deleted (C; older notation c.4910delC).
Protein change: p.Pro1637fs; shifts the reading frame from proline 1637.
Molecular consequence: frameshift variant. On other transcripts: non-coding transcript variant (1).
Genome position (GRCh38, 1-based): chr17:43,071,004, G deleted on the plus strand (C on the coding strand, the reverse complement: BRCA1 is on the minus strand); the first of 2 consecutive G bases (chr17:43,071,004-43,071,005); deleting either gives the same sequence. VCF-style (leftmost placement, unchanged base first): chr17-43071003-TG-T. GRCh37 (hg19) VCF-style: chr17-41223020-TG-T.
Other names: c.4910delC (NM_007294.3); c.1477delC, p.Pro493Glnfs (NM_001408431.1, NM_001408425.1, NM_001408426.1 and 4 more transcripts); c.1474delC, p.Pro492Glnfs (NM_001408432.1, NM_001408433.1, NM_001408434.1 and 10 more transcripts); c.1471delC, p.Pro491Glnfs (NM_001408445.1, NM_001408446.1, NM_001408447.1 and 2 more transcripts); c.1465delC, p.Pro489Glnfs (NM_001408451.1); c.1459delC, p.Pro487Glnfs (NM_001408452.1, NM_001408453.1, NM_001408454.1 and 3 more transcripts); c.1456delC, p.Pro486Glnfs (NM_001408458.1, NM_001408459.1, NM_001408460.1 and 7 more transcripts); c.1453delC, p.Pro485Glnfs (NM_001408468.1, NM_001408469.1, NM_001408470.1); and 74 more; short protein forms P1590fs, P1658fs, P1637fs, P533fs.
Identifiers: ClinVar variation 55315 (VCV000055315.5), dbSNP rs397509204, ClinGen allele CA003077.

ClinVar aggregate classification (germline): Pathogenic. Review status: reviewed by expert panel (3 of 4 stars). 3 submissions from 3 submitters: Pathogenic (1). 2 of the submissions do not count toward it. Last evaluated 2017-12-15.

Conditions:
Hereditary cancer-predisposing syndrome. Also called: Hereditary Cancer Syndrome; Hereditary neoplastic syndrome; Neoplastic Syndromes, Hereditary; Tumor predisposition. Identifiers: Orphanet 140162, MedGen C0027672, MeSH D009386, MONDO:0015356.
Familial cancer of breast. Also called: hereditary breast carcinoma; BREAST CANCER, FAMILIAL; Hereditary breast cancer. Identifiers: Orphanet 227535, MedGen C0346153, MONDO:0016419, OMIM 114480. Disease mechanism: loss of function.
Breast-ovarian cancer, familial, susceptibility to, 1 (BROVCA1). Also called: BRCA1 Hereditary Breast and Ovarian Cancer; OVARIAN CANCER, SUSCEPTIBILITY TO. Identifiers: Orphanet 145, MedGen C2676676, MONDO:0011450, OMIM 604370. Disease mechanism: loss of function.

Submissions (3):

Evidence-based Network for the Interpretation of Germline Mutant Alleles (ENIGMA)
Classification: Pathogenic for Breast-ovarian cancer, familial, susceptibility to, 1. Last evaluated: 2017-12-15. Review status: reviewed by expert panel. Criteria: ENIGMA BRCA1/2 Classification Criteria (2017-06-29). Collection method: curation. Allele origin: germline. Study: ENIGMA.
Comment: Variant allele predicted to encode a truncated non-functional protein.

Ambry Genetics
Classification: Pathogenic for Hereditary cancer-predisposing syndrome. Last evaluated: 2019-05-17. Review status: criteria provided, single submitter. Criteria: Ambry Variant Classification Scheme 2023. Collection method: clinical testing. Allele origin: germline. Not counted in ClinVar's aggregate classification.
Comment: The c.4910delC pathogenic mutation, located in coding exon 14 of the BRCA1 gene, results from a deletion of one nucleotide at nucleotide position 4910, causing a translational frameshift with a predicted alternate stop codon (p.P1637Qfs*3). In addition to the clinical data presented in the literature, this alteration is expected to result in loss of function by premature protein truncation or nonsense-mediated mRNA decay. As such, this alteration is interpreted as a disease-causing mutation.

ClinVar Staff, National Center for Biotechnology Information (NCBI)
No classification provided. Condition: Familial cancer of breast. Review status: no classification provided. Collection method: literature only. Allele origin: germline. Affected: yes. Not counted in ClinVar's aggregate classification.

Literature cited by the submitters: PubMed 12442274 (cited by Ambry Genetics and ClinVar Staff, National Center for Biotechnology Information (NCBI)).